The following is an entry in ClinVar:

NM_004656.4(BAP1):c.300C>T (p.Leu100=)

Gene: BAP1 (BRCA1 associated deubiquitinase 1; minus strand). Cytogenetic location: 3p21.1.
Variant type: single nucleotide variant.
Coding change: c.300C>T on transcript NM_004656.4 (MANE Select); coding-DNA position 300, C replaced by T.
Protein change: p.Leu100=; no amino-acid change (leucine 100 retained).
Molecular consequence: synonymous variant.
Genome position (GRCh38, 1-based): chr3:52,408,033, G>A on the plus strand (C>T on the coding strand, the complement: BAP1 is on the minus strand). VCF-style: chr3-52408033-G-A. GRCh37 (hg19) VCF-style: chr3-52442049-G-A.
Other names: c.300C>T, p.Leu100= (NM_001410772.1).
Identifiers: ClinVar variation 2653883 (VCV002653883.24), dbSNP rs2153228120, ClinGen allele CA433777723.

ClinVar aggregate classification (germline): Likely benign (1 of 4 stars; one submission).

Submission:

CeGaT Center for Human Genetics Tuebingen
Classification: Likely benign. Last evaluated: 2022-08-01. Review status: criteria provided, single submitter. Criteria: CeGaT Center For Human Genetics Tuebingen Variant Classification Criteria Version 2. Collection method: clinical testing. Allele origin: germline. Affected: yes. Observed: 1 variant allele.
Comment: BAP1: PM2:Supporting, BP4, BP7